The following is an entry in ClinVar:

NM_000548.5(TSC2):c.2546-13T>G

Gene: TSC2 (TSC complex subunit 2; plus strand). Cytogenetic location: 16p13.3.
Variant type: single nucleotide variant.
Coding change: c.2546-13T>G on transcript NM_000548.5 (MANE Select); 13 bases into the intron before coding-DNA position 2546, T replaced by G.
Molecular consequence: intron variant.
Genome position (GRCh38, 1-based): chr16:2,075,786, T>G. VCF-style: chr16-2075786-T-G. GRCh37 (hg19) VCF-style: chr16-2125787-T-G.
Other names: c.1202-13T>G (NM_001406693.1, NM_001406689.1, NM_001406690.1 and 6 more transcripts); c.2636-13T>G (NM_001406667.1, NM_001406668.1); c.1946-13T>G (NM_001406680.1, NM_001406683.1, NM_001406687.1 and 6 more transcripts); c.944-13T>G (NM_001406698.1); c.2546-13T>G (NM_001114382.3, NM_001406663.1, NM_001406664.1 and 6 more transcripts); c.2534-13T>G (NM_001406671.1, NM_001406673.1); c.2084-13T>G (NM_001406681.1); c.2435-13T>G (NM_001406670.1, NM_001318827.2, NM_001406678.1); and 3 more.
Identifiers: ClinVar variation 3009628 (VCV003009628.3), dbSNP rs2151379439, ClinGen allele CA2740096833.
Genomic context (GRCh38, chr16:2,075,786, plus strand): 5'-GAGCAGCCGTGTTGGCCTTCAGAGGCGCTGCACGGGACCCCGGCTCCCCTGACCACCCTC[T>G]CCATTACCGCAGCTCTGGCCAGGCTGCCGCACCTCTACAGGAACTTTGCCGCGGAGCAGT-3'

ClinVar aggregate classification (germline): Uncertain significance (1 of 4 stars; one submission).

Conditions:
Tuberous sclerosis 2 (TSC2). Identifiers: Orphanet 805, MedGen C1860707, MONDO:0013199, OMIM 613254.

Submission:

Labcorp Genetics (formerly Invitae), Labcorp
Classification: Uncertain significance for Tuberous sclerosis 2. Last evaluated: 2025-04-17. Review status: criteria provided, single submitter. Criteria: Invitae Variant Classification Sherloc (09022015). Collection method: clinical testing. Allele origin: germline.
Comment: This sequence change falls in intron 22 of the TSC2 gene. It does not directly change the encoded amino acid sequence of the TSC2 protein. This variant is not present in population databases (gnomAD no frequency). This variant has not been reported in the literature in individuals affected with TSC2-related conditions. ClinVar contains an entry for this variant (Variation ID: 3009628). Algorithms developed to predict the effect of sequence changes on RNA splicing suggest that this variant may disrupt the consensus splice site. In summary, the available evidence is currently insufficient to determine the role of this variant in disease. Therefore, it has been classified as a Variant of Uncertain Significance.